The following is an entry in ClinVar:

ClinVar aggregate classification (germline): Conflicting classifications of pathogenicity. Review status: criteria provided, conflicting classifications (1 of 4 stars). 5 submissions from 5 submitters: Uncertain significance (1); Benign (1); Likely benign (3). Last evaluated 2026-01-12.

Conditions:
Genitopatellar syndrome (GTPTS). Also called: Genitopatellar syndrome (GPS); ABSENT PATELLAE, SCROTAL HYPOPLASIA, RENAL ANOMALIES, FACIAL DYSMORPHISM, AND MENTAL RETARDATION. Identifiers: Orphanet 85201, MedGen C1853566, MONDO:0011640, OMIM 606170.

Allele frequency attached by ClinVar (database versions not stated): TOPMed 0.00015; gnomAD exomes 0.00017 and 0.00018; gnomAD 0.00019; ExAC 0.00020.
gnomAD v4.1: 267 of 1,614,050 alleles (0.017%); highest among the groups gnomAD compares: Non-Finnish European, 0.021%; no homozygotes.

Submissions (5):

Labcorp Genetics (formerly Invitae), Labcorp
Classification: Benign for Genitopatellar syndrome. Last evaluated: 2026-01-12. Review status: criteria provided, single submitter. Criteria: Invitae Variant Classification Sherloc (09022015). Collection method: clinical testing. Allele origin: germline.

CeGaT Center for Human Genetics Tuebingen
Classification: Likely benign. Last evaluated: 2025-11-01. Review status: criteria provided, single submitter. Criteria: CeGaT Center For Human Genetics Tuebingen Variant Classification Criteria Version 2. Collection method: clinical testing. Allele origin: germline. Affected: yes. Observed: 6 variant alleles.
Comment: KAT6B: BS2

Revvity Omics, Revvity
Classification: Uncertain significance. Last evaluated: 2024-12-16. Review status: criteria provided, single submitter. Criteria: ACMG Guidelines, 2015. Collection method: clinical testing. Allele origin: germline.

Blueprint Genetics
Classification: Likely benign. Last evaluated: 2024-09-05. Review status: criteria provided, single submitter. Criteria: ACMG Guidelines, 2015. Collection method: clinical testing. Allele origin: germline.

GeneDx
Classification: Likely benign. Last evaluated: 2020-01-25. Review status: criteria provided, single submitter. Criteria: GeneDx Variant Classification Process June 2021. Collection method: clinical testing. Allele origin: germline. Affected: yes.

NM_012330.4(KAT6B):c.1268C>G (p.Ser423Cys)

Gene: KAT6B (lysine acetyltransferase 6B; plus strand). Cytogenetic location: 10q22.2.
Variant type: single nucleotide variant.
Coding change: c.1268C>G on transcript NM_012330.4 (MANE Select); coding-DNA position 1268, C replaced by G.
Protein change: p.Ser423Cys; replaces serine 423 with cysteine.
Molecular consequence: missense variant. On other transcripts: intron variant (11).
Genome position (GRCh38, 1-based): chr10:74,975,605, C>G. VCF-style: chr10-74975605-C-G. GRCh37 (hg19) VCF-style: chr10-76735363-C-G.
Other names: c.1268C>G, p.Ser423Cys (NM_001256468.2, NM_001370136.1, NM_001370137.1 and 1 more transcripts); c.1117+151C>G (NM_001370139.1, NM_001370140.1, NM_001370141.1 and 3 more transcripts); c.846+5830C>G (NM_001370133.1); c.193-3619C>G (NM_001370134.1); c.929-1711C>G (NM_001370143.1, NM_001370144.1); c.193-13414C>G (NM_001370135.1); short protein forms S423C.
Identifiers: ClinVar variation 300861 (VCV000300861.55), dbSNP rs770325540, ClinGen allele CA5564382.